The following is an entry in ClinVar:

ClinVar aggregate classification (germline): Benign/Likely benign. Review status: criteria provided, multiple submitters, no conflicts (2 of 4 stars). 2 submissions from 2 submitters: Benign (1); Likely benign (1). Last evaluated 2026-02-01.

Conditions:
MYH7B-related disorder. Also called: MYH7B-related condition.

Allele frequency attached by ClinVar (database versions not stated): ExAC 0.00030; TOPMed 0.00056; gnomAD exomes 0.00062 and 0.00090; gnomAD 0.00076 and 0.00079.
gnomAD v4.1: 1,340 of 1,542,482 alleles (0.087%); highest among the groups gnomAD compares: Non-Finnish European, 0.1%; no homozygotes.

Submissions (2):

Labcorp Genetics (formerly Invitae), Labcorp
Classification: Benign. Last evaluated: 2026-02-01. Review status: criteria provided, single submitter. Criteria: Invitae Variant Classification Sherloc (09022015). Collection method: clinical testing. Allele origin: germline.

PreventionGenetics, part of Exact Sciences
Classification: Likely benign for MYH7B-related condition. Last evaluated: 2025-03-31. Review status: criteria provided, single submitter. Criteria: ACMG Guidelines, 2015. Collection method: clinical testing. Allele origin: germline.
Comment: This variant is classified as likely benign based on ACMG/AMP sequence variant interpretation guidelines (Richards et al. 2015 PMID: 25741868, with internal and published modifications).

NM_020884.7(MYH7B):c.3450G>A (p.Leu1150=)

Gene: MYH7B (myosin heavy chain 7B; plus strand). Cytogenetic location: 20q11.22.
Variant type: single nucleotide variant.
Coding change: c.3450G>A on transcript NM_020884.7 (MANE Select); coding-DNA position 3450, G replaced by A.
Protein change: p.Leu1150=; no amino-acid change (leucine 1150 retained).
Molecular consequence: synonymous variant.
Genome position (GRCh38, 1-based): chr20:34,997,343, G>A. VCF-style: chr20-34997343-G-A. GRCh37 (hg19) VCF-style: chr20-33585146-G-A.
Other names: c.3576G>A (NM_020884.4).
Identifiers: ClinVar variation 1577037 (VCV001577037.9), dbSNP rs769306299, ClinGen allele CA9827736.